The following is an entry in ClinVar:

NM_021625.5(TRPV4):c.789_790inv (p.Val264Ile)

Gene: TRPV4 (transient receptor potential cation channel subfamily V member 4; minus strand). Cytogenetic location: 12q24.11.
Variant type: Inversion.
Coding change: c.789_790inv on transcript NM_021625.5 (MANE Select).
Protein change: p.Val264Ile; replaces valine 264 with isoleucine.
Molecular consequence: missense variant. On other transcripts: intron variant (2).
Genome position: GRCh38 VCF-style: chr12-109800681-CA-TG. GRCh37 (hg19) VCF-style: chr12-110238486-CA-TG.
Other names: c.687_688invTG, p.Val230Ile (NM_001177431.2); c.789_790invTG, p.Val264Ile (NM_147204.3); c.713-1770_713-1769inv (NM_001177433.1, NM_001177428.1); short protein forms V230I, V264I.
Identifiers: ClinVar variation 2818189 (VCV002818189.3), ClinGen allele CA2739277329.
Genomic context (GRCh38, chr12:109,800,681, plus strand): 5'-AGTAGAAGTAGCCCCCCTCATCCTTGGGCTGGAAGAAGCGCCCACGGGCCTGGGCGTGGA[CA>TG]TCAGCTCCCTGGGCCACGAGAAGTTCCACGTAGTGTTTGCAGCGACGCTCAATGGCGATG-3'
Protein context (NP_067638.3, residues 254-274): VELLVAQGAD[Val264Ile]HAQARGRFFQ

ClinVar aggregate classification (germline): Uncertain significance (1 of 4 stars; one submission).

Conditions:
Charcot-Marie-Tooth disease axonal type 2C (HMSN2C). Also called: CHARCOT-MARIE-TOOTH DISEASE, AXONAL, AUTOSOMAL DOMINANT, TYPE 2C; Charcot-Marie-Tooth Neuropathy Type 2C; Charcot-Marie-Tooth Disease Type 2, TRPV4-Related (CMT2C). Identifiers: Orphanet 99937, MedGen C1853710, MONDO:0011633, OMIM 606071.

Submission:

Labcorp Genetics (formerly Invitae), Labcorp
Classification: Uncertain significance for Charcot-Marie-Tooth disease axonal type 2C. Last evaluated: 2022-12-03. Review status: criteria provided, single submitter. Criteria: Invitae Variant Classification Sherloc (09022015). Collection method: clinical testing. Allele origin: germline.
Comment: This sequence change replaces valine, which is neutral and non-polar, with isoleucine, which is neutral and non-polar, at codon 264 of the TRPV4 protein (p.Val264Ile). Information on the frequency of this variant in the gnomAD database is not available, as this variant may be reported differently in the database. This variant has not been reported in the literature in individuals affected with TRPV4-related conditions. Experimental studies and prediction algorithms are not available or were not evaluated, and the functional significance of this variant is currently unknown. In summary, the available evidence is currently insufficient to determine the role of this variant in disease. Therefore, it has been classified as a Variant of Uncertain Significance.